The following is an entry in ClinVar:

ClinVar aggregate classification (germline): Benign (1 of 4 stars; one submission).

Conditions:
Lynch syndrome 4 (LYNCH4). Also called: Colorectal cancer, hereditary nonpolyposis, type 4; Hereditary non-polyposis colorectal cancer, type 4. Identifiers: Orphanet 144, MedGen C1838333, MONDO:0013699, OMIM 614337. Disease mechanism: loss of function.

Submission:

Myriad Genetics, Inc.
Classification: Benign for Lynch syndrome 4. Last evaluated: 2025-01-28. Review status: criteria provided, single submitter. Criteria: Myriad Autosomal Dominant, Autosomal Recessive and X-Linked Classification Criteria (2023). Collection method: clinical testing. Allele origin: unknown.
Comment: This variant is considered benign. This variant is intronic and is not expected to impact mRNA splicing.

NM_000535.7(PMS2):c.804-39A>C

Gene: PMS2 (PMS1 homolog 2, mismatch repair system component; minus strand). Cytogenetic location: 7p22.1.
Variant type: single nucleotide variant.
Coding change: c.804-39A>C on transcript NM_000535.7 (MANE Select); 39 bases into the intron before coding-DNA position 804, A replaced by C.
Molecular consequence: intron variant.
Genome position (GRCh38, 1-based): chr7:5,995,672, T>G on the plus strand (A>C on the coding strand, the complement: PMS2 is on the minus strand). VCF-style: chr7-5995672-T-G. GRCh37 (hg19) VCF-style: chr7-6035303-T-G.
Other names: c.486-39A>C (NM_001322008.2, NM_001406902.1, NM_001406883.1 and 4 more transcripts); c.495-39A>C (NM_001406881.1, NM_001406879.1, NM_001322015.2 and 6 more transcripts); c.399-39A>C (NM_001406895.1, NM_001322010.2, NM_001322004.2 and 19 more transcripts); c.133-3615A>C (NM_001406911.1); c.291-39A>C (NM_001406904.1, NM_001406905.1); c.231-39A>C (NM_001322013.2, NM_001406909.1); c.-130-39A>C (NM_001322012.2, NM_001322011.2); c.468-39A>C (NM_001406885.1); and 8 more.
Identifiers: ClinVar variation 3904014 (VCV003904014.1).